The following is an entry in ClinVar:

NM_017890.5(VPS13B):c.4265A>G (p.Asp1422Gly)

Gene: VPS13B (vacuolar protein sorting 13 homolog B; plus strand). Cytogenetic location: 8q22.2.
Variant type: single nucleotide variant.
Coding change: c.4265A>G on transcript NM_017890.5 (MANE Plus Clinical); coding-DNA position 4265, A replaced by G.
Protein change: p.Asp1422Gly; replaces aspartic acid 1422 with glycine.
Molecular consequence: missense variant. On other transcripts: intron variant (1).
Genome position (GRCh38, 1-based): chr8:99,507,877, A>G. VCF-style: chr8-99507877-A-G. GRCh37 (hg19) VCF-style: chr8-100520105-A-G.
Other names: c.4224+674A>G (NM_152564.5); short protein forms D1422G.
Identifiers: ClinVar variation 5004691 (VCV005004691.1).

ClinVar aggregate classification (germline): Uncertain significance (1 of 4 stars; one submission).

Conditions:
Cohen syndrome (COH1). Also called: PEPPER SYNDROME; Cutis verticis gyrata, retinitis pigmentosa, and sensorineural deafness. Identifiers: Orphanet 193, MedGen C0265223, MONDO:0008999, OMIM 216550.

Submission:

Myriad Genetics, Inc.
Classification: Uncertain significance for Cohen syndrome. Last evaluated: 2026-06-03. Review status: criteria provided, single submitter. Criteria: Myriad Autosomal Dominant, Autosomal Recessive and X-Linked Classification Criteria (2023). Collection method: clinical testing. Allele origin: unknown.
Comment: NM_017890.4(VPS13B):c.4265A>G(D1422G) is a missense variant classified as a variant of uncertain significance in the context of Cohen syndrome. D1422G has not been observed in cases with relevant disease. Relevant functional assessments of this variant are not available in the literature. D1422G has not been observed in referenced population frequency databases. In summary, there is insufficient evidence to classify NM_017890.4(VPS13B):c.4265A>G(D1422G) as pathogenic or benign. Please note: this variant was assessed in the context of healthy population screening.